The following is an entry in ClinVar:

NM_019098.5(CNGB3):c.583del (p.Met195fs)

Gene: CNGB3 (cyclic nucleotide gated channel subunit beta 3; minus strand). Cytogenetic location: 8q21.3.
Variant type: Deletion.
Coding change: c.583del on transcript NM_019098.5 (MANE Select); coding-DNA position 583, one base deleted (A; older notation c.583delA).
Protein change: p.Met195fs; shifts the reading frame from methionine 195.
Molecular consequence: frameshift variant.
Genome position (GRCh38, 1-based): chr8:86,668,079, T deleted on the plus strand (A on the coding strand, the reverse complement: CNGB3 is on the minus strand). VCF-style (leftmost placement, unchanged base first): chr8-86668078-AT-A. GRCh37 (hg19) VCF-style: chr8-87680306-AT-A.
Other names: short protein forms M195fs.
Identifiers: ClinVar variation 2017783 (VCV002017783.4), dbSNP rs2538126335, ClinGen allele CA2580078982.
Genomic context (GRCh38, chr8:86,668,078, plus strand): 5'-CCTGTGTATGAATCTATGCTGTTTGGAAGTTTAATTCGCTTTAAGTACTCTGTTAAAGGC[AT>A]CTTTTTGACTTTGAACCACAACAGCCTGTAGTAATGTTCTGTTGGCTTATCATCGCTTTC-3'

ClinVar aggregate classification (germline): Pathogenic (1 of 4 stars; one submission).

Submission:

Labcorp Genetics (formerly Invitae), Labcorp
Classification: Pathogenic. Last evaluated: 2022-07-17. Review status: criteria provided, single submitter. Criteria: Invitae Variant Classification Sherloc (09022015). Collection method: clinical testing. Allele origin: germline.
Comment: This variant has not been reported in the literature in individuals affected with CNGB3-related conditions. This sequence change creates a premature translational stop signal (p.Met195Cysfs*3) in the CNGB3 gene. It is expected to result in an absent or disrupted protein product. Loss-of-function variants in CNGB3 are known to be pathogenic (PMID: 28795510). This variant is not present in population databases (gnomAD no frequency). Algorithms developed to predict the effect of sequence changes on RNA splicing suggest that this variant may disrupt the consensus splice site. For these reasons, this variant has been classified as Pathogenic.

Literature cited by the submitters: PubMed 28795510.